The following is an entry in ClinVar:

ClinVar aggregate classification (germline): Uncertain significance (1 of 4 stars; one submission).

Conditions:
Joubert syndrome. Also called: CEREBELLOPARENCHYMAL DISORDER IV; JOUBERT-BOLTSHAUSER SYNDROME; Familial aplasia of the vermis. Identifiers: Orphanet 475, MedGen C5979921, MONDO:0018772.
Meckel-Gruber syndrome. Also called: DYSENCEPHALIA SPLANCHNOCYSTICA; GRUBER SYNDROME; Dysencephalia splachnocystica. Identifiers: Orphanet 564, MedGen C0265215, MONDO:0018921.

Submission:

Labcorp Genetics (formerly Invitae), Labcorp
Classification: Uncertain significance for Joubert syndrome; Meckel-Gruber syndrome. Last evaluated: 2022-06-15. Review status: criteria provided, single submitter. Criteria: Invitae Variant Classification Sherloc (09022015). Collection method: clinical testing. Allele origin: germline.
Comment: In summary, the available evidence is currently insufficient to determine the role of this variant in disease. Therefore, it has been classified as a Variant of Uncertain Significance. Algorithms developed to predict the effect of missense changes on protein structure and function (SIFT, PolyPhen-2, Align-GVGD) all suggest that this variant is likely to be disruptive. This variant has not been reported in the literature in individuals affected with RPGRIP1L-related conditions. This variant is not present in population databases (gnomAD no frequency). This sequence change replaces leucine, which is neutral and non-polar, with valine, which is neutral and non-polar, at codon 802 of the RPGRIP1L protein (p.Leu802Val).

NM_015272.5(RPGRIP1L):c.2404C>G (p.Leu802Val)

Gene: RPGRIP1L (RPGRIP1 like; minus strand). Cytogenetic location: 16q12.2.
Variant type: single nucleotide variant.
Coding change: c.2404C>G on transcript NM_015272.5 (MANE Select); coding-DNA position 2404, C replaced by G.
Protein change: p.Leu802Val; replaces leucine 802 with valine.
Molecular consequence: missense variant.
Genome position (GRCh38, 1-based): chr16:53,645,904, G>C on the plus strand (C>G on the coding strand, the complement: RPGRIP1L is on the minus strand). VCF-style: chr16-53645904-G-C. GRCh37 (hg19) VCF-style: chr16-53679816-G-C.
Other names: c.2404C>G, p.Leu802Val (NM_001127897.4, NM_001308334.3, NM_001330538.2); short protein forms L802V.
Identifiers: ClinVar variation 2100190 (VCV002100190.2), dbSNP rs2544107530, ClinGen allele CA395914694.